The following is an entry in ClinVar:

NM_022841.7(RFX7):c.1976G>A (p.Arg659Gln)

Gene: RFX7 (regulatory factor X7; minus strand). Cytogenetic location: 15q21.3.
Variant type: single nucleotide variant.
Coding change: c.1976G>A on transcript NM_022841.7 (MANE Select); coding-DNA position 1976, G replaced by A.
Protein change: p.Arg659Gln; replaces arginine 659 with glutamine.
Molecular consequence: missense variant.
Genome position (GRCh38, 1-based): chr15:56,095,752, C>T on the plus strand (G>A on the coding strand, the complement: RFX7 is on the minus strand). VCF-style: chr15-56095752-C-T. GRCh37 (hg19) VCF-style: chr15-56387950-C-T.
Other names: c.1685G>A, p.Arg562Gln (NM_001368073.2, NM_001368074.1, NM_001370554.1); c.1976G>A, p.Arg659Gln (NM_001370561.1); short protein forms R562Q, R659Q.
Identifiers: ClinVar variation 4088040 (VCV004088040.1).
Genomic context (GRCh38, chr15:56,095,752, plus strand): 5'-TGTTCCACAATTGGTTTCTTTACAGGAGGCACCTGGGTCTCCTGCAATGTAGAAGACAGT[C>T]GTTTTCTTGGGCTTTTAGTGCATAATTTAGGGTCTTTATTGATTGAGTCACCATTAGGTG-3'
Protein context (NP_073752.6, residues 649-669): PKLCTKSPRK[Arg659Gln]LSSTLQETQV

ClinVar aggregate classification (germline): Uncertain significance (1 of 4 stars; one submission).

gnomAD v4.1: 1 of 1,613,854 alleles (0.000062%); highest among the groups gnomAD compares: Non-Finnish European, 0.000085%; no homozygotes.

Submission:

GeneDx
Classification: Uncertain significance. Last evaluated: 2025-03-28. Review status: criteria provided, single submitter. Criteria: GeneDx Variant Classification Process June 2021. Collection method: clinical testing. Allele origin: germline. Affected: yes.
Comment: Not observed at significant frequency in large population cohorts (gnomAD); In silico analysis indicates that this missense variant does not alter protein structure/function; Has not been previously published as pathogenic or benign to our knowledge